The following is an entry in ClinVar:

NM_001394998.1(TANC2):c.1498A>G (p.Ile500Val)

Gene: TANC2 (tetratricopeptide repeat, ankyrin repeat and coiled-coil containing 2; plus strand). Cytogenetic location: 17q23.3.
Variant type: single nucleotide variant.
Coding change: c.1498A>G on transcript NM_001394998.1 (MANE Select); coding-DNA position 1498, A replaced by G.
Protein change: p.Ile500Val; replaces isoleucine 500 with valine.
Molecular consequence: missense variant.
Genome position (GRCh38, 1-based): chr17:63,319,013, A>G. VCF-style: chr17-63319013-A-G. GRCh37 (hg19) VCF-style: chr17-61396374-A-G.
Other names: c.1276A>G (NM_025185.3); c.1276A>G, p.Ile426Val (NM_001411076.1, NM_025185.4); short protein forms I426V, I500V.
Identifiers: ClinVar variation 2648047 (VCV002648047.25), dbSNP rs753217237, ClinGen allele CA8697597.

ClinVar aggregate classification (germline): Conflicting classifications of pathogenicity. Review status: criteria provided, conflicting classifications (1 of 4 stars). 2 submissions from 2 submitters: Uncertain significance (1); Likely benign (1). Last evaluated 2024-09-10.

Conditions:
Inborn genetic diseases. Identifiers: MedGen C0950123, MeSH D030342.

Allele frequency attached by ClinVar (database versions not stated): ExAC 0.00001; gnomAD exomes 0.00001; TOPMed 0.00001; gnomAD 0.00003.
gnomAD v4.1: 19 of 1,613,578 alleles (0.0012%); highest among the groups gnomAD compares: African/African-American, 0.004%; no homozygotes.

Submissions (2):

Ambry Genetics
Classification: Uncertain significance for Inborn genetic diseases. Last evaluated: 2024-09-10. Review status: criteria provided, single submitter. Criteria: Ambry Variant Classification Scheme 2023. Collection method: clinical testing. Allele origin: germline.

CeGaT Center for Human Genetics Tuebingen
Classification: Likely benign. Last evaluated: 2023-02-01. Review status: criteria provided, single submitter. Criteria: CeGaT Center For Human Genetics Tuebingen Variant Classification Criteria Version 2. Collection method: clinical testing. Allele origin: germline. Affected: yes. Observed: 1 variant allele.
Comment: TANC2: BP4